The following is an entry in ClinVar:

NM_000051.4(ATM):c.5693G>A (p.Arg1898Gln)

Gene: ATM (ATM serine/threonine kinase; plus strand). Cytogenetic location: 11q22.3.
Variant type: single nucleotide variant.
Coding change: c.5693G>A on transcript NM_000051.4 (MANE Select); coding-DNA position 5693, G replaced by A.
Protein change: p.Arg1898Gln; replaces arginine 1898 with glutamine.
Molecular consequence: missense variant.
Genome position (GRCh38, 1-based): chr11:108,307,915, G>A. VCF-style: chr11-108307915-G-A. GRCh37 (hg19) VCF-style: chr11-108178642-G-A.
Other names: p.R1898Q:CGA>CAA; NM_000051.4(ATM):c.5693G>A; p.Arg1898Gln; c.5693G>A, p.Arg1898Gln (NM_001351834.2); short protein forms R1898Q.
Identifiers: ClinVar variation 133624 (VCV000133624.55), dbSNP rs370680798, ClinGen allele CA157138.

ClinVar aggregate classification (germline): Likely benign. Review status: reviewed by expert panel (3 of 4 stars). 15 submissions from 15 submitters: Likely benign (1). 14 of the submissions do not count toward it. Last evaluated 2025-11-11.

Conditions:
ATM-related cancer predisposition. Also called: ATM-related cancer susceptibility. Identifiers: MedGen CN377759, MONDO:0700270.
ATM-related disorder. Also called: ATM-related disorders; ATM-related condition.
Breast and/or ovarian cancer. Identifiers: MedGen CN221562.
Hereditary cancer-predisposing syndrome. Also called: Tumor predisposition; Hereditary neoplastic syndrome; Neoplastic Syndromes, Hereditary; Hereditary Cancer Syndrome. Identifiers: Orphanet 140162, MedGen C0027672, MeSH D009386, MONDO:0015356.
Familial cancer of breast. Also called: Hereditary breast cancer; hereditary breast carcinoma; BREAST CANCER, FAMILIAL. Identifiers: Orphanet 227535, MedGen C0346153, MONDO:0016419, OMIM 114480. Disease mechanism: loss of function.
Ataxia-telangiectasia syndrome (AT). Also called: LOUIS-BAR SYNDROME; Ataxia-telangiectasia; Ataxia telangiectasia (A-T); Cerebello-oculocutaneous telangiectasia; Immunodeficiency with ataxia telangiectasia; Ataxia-telangiectasia, complementation group D. Identifiers: Orphanet 100, MedGen C0004135, MONDO:0008840, OMIM 208900.
Malignant tumor of breast. Also called: Malignant breast neoplasm; Cancer breast. Identifiers: MedGen C0006142, MONDO:0007254. Disease mechanism: loss of function.

Allele frequency attached by ClinVar (database versions not stated): gnomAD 0.00001 and 0.00007; TOPMed 0.00003; ESP Exome Variant Server 0.00008; gnomAD exomes 0.00015 and 0.00032; ExAC 0.00028; 1000 Genomes Project 0.00100; 1000 Genomes Project 30x 0.00125.
gnomAD v4.1: 227 of 1,613,628 alleles (0.014%); highest among the groups gnomAD compares: South Asian, 0.18%; 3 homozygotes.

Submissions (15):

ClinGen Hereditary Breast, Ovarian and Pancreatic Cancer Variant Curation Expert Panel, ClinGen
Classification: Likely benign for ATM-related cancer predisposition. Last evaluated: 2025-11-11. Review status: reviewed by expert panel. Criteria: ClinGen HBOP ACMG Specifications ATM V1.4.0. Collection method: curation. Allele origin: germline. Inheritance: Autosomal dominant inheritance.
Comment: The c.5693G>A variant in ATM is a missense variant predicted to cause substitution of arginine by glutamine at amino acid 1898 (p.Arg1898Gln). The filtering allele frequency (the lower threshold of the 95% CI of 227/1613628) of the c. 5693G>A variant in ATM is 0.001586 for South Asian chromosomes by gnomAD v4.1.0, which is higher than the HBOP VCEP threshold (>0.0005) for BS1, and therefore meets this criterion. A pKAP1 phospho-flow assay in IN1305T cells showed activity comparable to wild-type, indicating that this variant does not impact protein function (PMID: 40105422). The computational predictor REVEL gives a score of 0.125, which is below the threshold of 0.249, and the splice site predictor SpliceAI indicated that the variant has no impact on splicing, evidence that does not predict a damaging effect on ATM function. In summary, this variant meets the criteria to be classified as likely benign for autosomal dominant ATM-related cancer predisposition and autosomal recessive Ataxia-Telangiectasia based on the ACMG/AMP criteria applied, as specified by the HBOP VCEP. (BS1, BS3_Supporting, BP4)

Labcorp Genetics (formerly Invitae), Labcorp
Classification: Benign for Ataxia-telangiectasia syndrome. Last evaluated: 2026-02-01. Review status: criteria provided, single submitter. Criteria: Invitae Variant Classification Sherloc (09022015). Collection method: clinical testing. Allele origin: germline. Not counted in ClinVar's aggregate classification.

Women's Health and Genetics/Laboratory Corporation of America, LabCorp
Classification: Likely benign. Last evaluated: 2025-03-22. Review status: criteria provided, single submitter. Criteria: LabCorp Variant Classification Summary - May 2015. Collection method: clinical testing. Allele origin: germline. Not counted in ClinVar's aggregate classification.

Center for Genomic Medicine, Rigshospitalet, Copenhagen University Hospital
Classification: Likely benign. Last evaluated: 2025-03-04. Review status: criteria provided, single submitter. Criteria: ACMG Guidelines, 2015. Collection method: clinical testing. Allele origin: germline. Not counted in ClinVar's aggregate classification.

KCCC/NGS Laboratory, Kuwait Cancer Control Center
Classification: Benign for Familial cancer of breast. Last evaluated: 2025-02-01. Review status: criteria provided, single submitter. Criteria: ACMG Guidelines, 2015. Collection method: clinical testing. Allele origin: germline. Affected: no. Not counted in ClinVar's aggregate classification.

Blueprint Genetics
Classification: Likely benign. Last evaluated: 2024-10-24. Review status: criteria provided, single submitter. Criteria: ACMG Guidelines, 2015. Collection method: clinical testing. Allele origin: germline. Not counted in ClinVar's aggregate classification.

Color Diagnostics, LLC DBA Color Health
Classification: Benign for Hereditary cancer-predisposing syndrome. Last evaluated: 2024-09-19. Review status: criteria provided, single submitter. Criteria: ACMG Guidelines, 2015. Collection method: clinical testing. Allele origin: germline. Not counted in ClinVar's aggregate classification.

CeGaT Center for Human Genetics Tuebingen
Classification: Likely benign. Last evaluated: 2023-12-01. Review status: criteria provided, single submitter. Criteria: CeGaT Center For Human Genetics Tuebingen Variant Classification Criteria Version 2. Collection method: clinical testing. Allele origin: germline. Affected: yes. Observed: 3 variant alleles. Not counted in ClinVar's aggregate classification.
Comment: ATM: BP4, BS2

CHEO Genetics Diagnostic Laboratory, Children's Hospital of Eastern Ontario
Classification: Likely benign for Breast and/or ovarian cancer. Last evaluated: 2021-09-21. Review status: criteria provided, single submitter. Criteria: ACMG Guidelines, 2015. Collection method: clinical testing. Allele origin: germline. Not counted in ClinVar's aggregate classification.

Ambry Genetics
Classification: Likely benign for Hereditary cancer-predisposing syndrome. Last evaluated: 2018-07-31. Review status: criteria provided, single submitter. Criteria: Ambry Variant Classification Scheme 2023. Collection method: clinical testing. Allele origin: germline. Not counted in ClinVar's aggregate classification.

GeneDx
Classification: Likely benign. Last evaluated: 2018-05-25. Review status: criteria provided, single submitter. Criteria: GeneDx Variant Classification Process June 2021. Collection method: clinical testing. Allele origin: germline. Affected: yes. Not counted in ClinVar's aggregate classification.
Comment: This variant is associated with the following publications: (PMID: 24728327, 26976419, 25480502)

Breakthrough Genomics
Classification: Likely benign. Review status: criteria provided, single submitter. Criteria: ACMG Guidelines, 2015. Collection method: not provided. Allele origin: germline. Inheritance: Autosomal recessive inheritance. Affected: yes. Not counted in ClinVar's aggregate classification.

PreventionGenetics, part of Exact Sciences
Classification: Likely benign for ATM-related condition. Last evaluated: 2020-11-20. Review status: no assertion criteria provided. Collection method: clinical testing. Allele origin: germline. Not counted in ClinVar's aggregate classification.
Comment: This variant is classified as likely benign based on ACMG/AMP sequence variant interpretation guidelines (Richards et al. 2015 PMID: 25741868, with internal and published modifications).

ITMI
No classification provided. Condition: AllHighlyPenetrant. Last evaluated: 2013-09-19. Review status: no classification provided. Collection method: reference population. Allele origin: germline. Not counted in ClinVar's aggregate classification.
Comment: Please see associated publication for description of ethnicities

Department of Pathology and Laboratory Medicine, Sinai Health System
Classification: Likely benign for Malignant tumor of breast. Review status: no assertion criteria provided. Collection method: clinical testing. Allele origin: unknown. Affected: yes. Study: The Canadian Open Genetics Repository (COGR). Not counted in ClinVar's aggregate classification.
Comment: ATM, EXON38, c.5693G>A, p.Arg1898Gln, Heterozygous, Likely BenignrnThe ATM p.Arg1898Gln variant was identified in 2 of 7928 proband chromosomes (frequency: 0.0003) from individuals with breast or thyroid cancer and was present in 1 of 1362 control chromosomes (frequency: 0.0007) from healthy individuals (Tung 2016, Yehia 2018, Bodian 2014). The variant was identified in dbSNP as â€šÃ„Ãºwith likely benign alleleâ€šÃ„Ã¹ and in ClinVar (classified as likely benign by Invitae and 2 other submitters; and as benign by Color). The variant was identified in control databases in 80 of 245,810 chromosomes (2 homozygous) at a frequency of 0.0003, increasing the likelihood this could be a low frequency benign variant (Genome Aggregation Database Feb 27, 2017). The variant was observed in the following populations: South Asian in 68 of 30772 chromosomes (freq: 0.002), Latino in 3 of 33,538 chromosomes (freq: 0.00009) and European in 9 of 111,452 chromosomes (freq: 0.00008), but not in the African, Other, Ashkenazi Jewish, East Asian, or Finnish populations. The p.Arg1898 residue is conserved in mammals but not in more distantly related organisms, although computational analyses (PolyPhen-2, SIFT, AlignGVGD, BLOSUM, MutationTaster) do not suggest a high likelihood of impact to the protein; this information is not predictive enough to rule out pathogenicity. The variant occurs outside of the splicing consensus sequence and in silico or computational prediction software programs (SpliceSiteFinder, MaxEntScan, NNSPLICE, GeneSplicer) do not predict a difference in splicing. In summary, based on the above information, the clinical significance of this variant cannot be determined with certainty at this time although we would lean towards a more benign role for this variant. This variant is classified as likely benign.

Literature cited by the submitters: PubMed 24728327 (cited by Ambry Genetics and ITMI); PubMed 25480502 (cited by Ambry Genetics); PubMed 26976419 (cited by Ambry Genetics).